The following is an entry in ClinVar:

ClinVar aggregate classification (germline): Benign/Likely benign. Review status: criteria provided, multiple submitters, no conflicts (2 of 4 stars). 4 submissions from 4 submitters: Benign (2); Likely benign (1). 1 of the submissions does not count toward it. Last evaluated 2026-08-01.

Conditions:
ZNF292-related disorder. Also called: ZNF292-related condition.

Allele frequency attached by ClinVar (database versions not stated): 1000 Genomes Project 30x 0.00062; 1000 Genomes Project 0.00080; gnomAD exomes 0.00318; ExAC 0.00326; TOPMed 0.00327; gnomAD 0.00341 and 0.00354; ESP Exome Variant Server 0.00386.
gnomAD v4.1: 7,133 of 1,613,712 alleles (0.44%); highest among the groups gnomAD compares: Non-Finnish European, 0.55%; 26 homozygotes.

Submissions (4):

CeGaT Center for Human Genetics Tuebingen
Classification: Benign. Last evaluated: 2026-08-01. Review status: criteria provided, single submitter. Criteria: CeGaT Center For Human Genetics Tuebingen Variant Classification Criteria Version 2. Collection method: clinical testing. Allele origin: germline. Affected: yes. Observed: 32 variant alleles.
Comment: ZNF292: BP4, BP7, BS1, BS2

Blueprint Genetics
Classification: Likely benign. Last evaluated: 2024-11-21. Review status: criteria provided, single submitter. Criteria: ACMG Guidelines, 2015. Collection method: clinical testing. Allele origin: germline.

Labcorp Genetics (formerly Invitae), Labcorp
Classification: Benign. Last evaluated: 2019-01-02. Review status: criteria provided, single submitter. Criteria: Invitae Variant Classification Sherloc (09022015). Collection method: clinical testing. Allele origin: germline.

PreventionGenetics, part of Exact Sciences
Classification: Benign for ZNF292-related condition. Last evaluated: 2022-07-11. Review status: no assertion criteria provided. Collection method: clinical testing. Allele origin: germline. Not counted in ClinVar's aggregate classification.
Comment: This variant is classified as benign based on ACMG/AMP sequence variant interpretation guidelines (Richards et al. 2015 PMID: 25741868, with internal and published modifications).

NM_015021.3(ZNF292):c.4926C>T (p.Asn1642=)

Gene: ZNF292 (zinc finger protein 292; plus strand). Cytogenetic location: 6q14.3.
Variant type: single nucleotide variant.
Coding change: c.4926C>T on transcript NM_015021.3 (MANE Select); coding-DNA position 4926, C replaced by T.
Protein change: p.Asn1642=; no amino-acid change (asparagine 1642 retained).
Molecular consequence: synonymous variant.
Genome position (GRCh38, 1-based): chr6:87,258,555, C>T. VCF-style: chr6-87258555-C-T. GRCh37 (hg19) VCF-style: chr6-87968273-C-T.
Other names: c.4506C>T, p.Asn1502= (NM_001351444.2).
Identifiers: ClinVar variation 781632 (VCV000781632.30), dbSNP rs41273277, ClinGen allele CA3914393.